The following is an entry in ClinVar:

NM_001385125.1(OPN1SW):c.173G>A (p.Arg58His)

Gene: OPN1SW (opsin 1, short wave sensitive; minus strand). Cytogenetic location: 7q32.1.
Variant type: single nucleotide variant.
Coding change: c.173G>A on transcript NM_001385125.1 (MANE Select); coding-DNA position 173, G replaced by A.
Protein change: p.Arg58His; replaces arginine 58 with histidine.
Molecular consequence: missense variant.
Genome position (GRCh38, 1-based): chr7:128,775,609, C>T on the plus strand (G>A on the coding strand, the complement: OPN1SW is on the minus strand). VCF-style: chr7-128775609-C-T. GRCh37 (hg19) VCF-style: chr7-128415663-C-T.
Other names: NM_001708.2:c.182G>A; short protein forms R58H.
Identifiers: ClinVar variation 1411010 (VCV001411010.10), dbSNP rs764582600, ClinGen allele CA4473041.

ClinVar aggregate classification (germline): Uncertain significance (1 of 4 stars; one submission).

Conditions:
Blue color blindness. Also called: Tritanomaly; BLUE COLORBLINDNESS; COLORBLINDNESS, TRITAN; COLORBLINDNESS, TRITANOPIC. Identifiers: Orphanet 88629, MedGen C0155017, MONDO:0008610, OMIM 190900, HP:0000552.

Allele frequency attached by ClinVar (database versions not stated): gnomAD 0.00003; gnomAD exomes 0.00003 and 0.00005; TOPMed 0.00003; ExAC 0.00007.

Submission:

Labcorp Genetics (formerly Invitae), Labcorp
Classification: Uncertain significance. Last evaluated: 2024-10-22. Review status: criteria provided, single submitter. Criteria: Invitae Variant Classification Sherloc (09022015). Collection method: clinical testing. Allele origin: germline.
Comment: This sequence change replaces arginine, which is basic and polar, with histidine, which is basic and polar, at codon 61 of the OPN1SW protein (p.Arg61His). This variant is present in population databases (rs764582600, gnomAD 0.02%). This variant has not been reported in the literature in individuals affected with OPN1SW-related conditions. ClinVar contains an entry for this variant (Variation ID: 1411010). An algorithm developed to predict the effect of missense changes on protein structure and function outputs the following: PolyPhen-2: "Benign". The histidine amino acid residue is found in multiple mammalian species, which suggests that this missense change does not adversely affect protein function. In summary, the available evidence is currently insufficient to determine the role of this variant in disease. Therefore, it has been classified as a Variant of Uncertain Significance.